The following is an entry in ClinVar:

NM_006329.4(FBLN5):c.652G>T (p.Val218Leu)

Gene: FBLN5 (fibulin 5; minus strand). Cytogenetic location: 14q32.12.
Variant type: single nucleotide variant.
Coding change: c.652G>T on transcript NM_006329.4 (MANE Select); coding-DNA position 652, G replaced by T.
Protein change: p.Val218Leu; replaces valine 218 with leucine.
Molecular consequence: missense variant.
Genome position (GRCh38, 1-based): chr14:91,887,280, C>A on the plus strand (G>T on the coding strand, the complement: FBLN5 is on the minus strand). VCF-style: chr14-91887280-C-A. GRCh37 (hg19) VCF-style: chr14-92353624-C-A.
Other names: c.652G>T (NM_006329.3); c.775G>T, p.Val259Leu (NM_001384158.1); c.703G>T, p.Val235Leu (NM_001384159.1); c.652G>T, p.Val218Leu (NM_001384160.1); c.484G>T, p.Val162Leu (NM_001384161.1, NM_001384162.1); short protein forms V162L, V218L, V259L, V235L.
Identifiers: ClinVar variation 1504778 (VCV001504778.7), dbSNP rs774458799, ClinGen allele CA7312767.

ClinVar aggregate classification (germline): Uncertain significance. Review status: criteria provided, multiple submitters, no conflicts (2 of 4 stars). 2 submissions from 2 submitters: Uncertain significance (2). Last evaluated 2025-08-06.

Conditions:
Inborn genetic diseases. Identifiers: MedGen C0950123, MeSH D030342.

gnomAD v4.1: 10 of 1,613,316 alleles (0.00062%); highest among the groups gnomAD compares: East Asian, 0.022%; no homozygotes.

Submissions (2):

Labcorp Genetics (formerly Invitae), Labcorp
Classification: Uncertain significance. Last evaluated: 2025-08-06. Review status: criteria provided, single submitter. Criteria: Invitae Variant Classification Sherloc (09022015). Collection method: clinical testing. Allele origin: germline.
Comment: This sequence change replaces valine, which is neutral and non-polar, with leucine, which is neutral and non-polar, at codon 218 of the FBLN5 protein (p.Val218Leu). This variant is present in population databases (rs774458799, gnomAD 0.08%). This variant has not been reported in the literature in individuals affected with FBLN5-related conditions. ClinVar contains an entry for this variant (Variation ID: 1504778). Invitae Evidence Modeling of protein sequence and biophysical properties (such as structural, functional, and spatial information, amino acid conservation, physicochemical variation, residue mobility, and thermodynamic stability) indicates that this missense variant is not expected to disrupt FBLN5 protein function with a negative predictive value of 80%. In summary, the available evidence is currently insufficient to determine the role of this variant in disease. Therefore, it has been classified as a Variant of Uncertain Significance.

Ambry Genetics
Classification: Uncertain significance for Inborn genetic diseases. Last evaluated: 2023-04-13. Review status: criteria provided, single submitter. Criteria: Ambry Variant Classification Scheme 2023. Collection method: clinical testing. Allele origin: germline.